The following is an entry in ClinVar:

ClinVar aggregate classification (germline): Benign (0 of 4 stars; one submission).

Conditions:
SLC28A1-related disorder. Also called: SLC28A1-related condition.

Allele frequency attached by ClinVar (database versions not stated): 1000 Genomes Project 0.00819; 1000 Genomes Project 30x 0.00828; ESP Exome Variant Server 0.01423.
gnomAD v4.1: 20,689 of 1,614,092 alleles (1.3%); highest among the groups gnomAD compares: African/African-American, 1.7%; 155 homozygotes.

Submission:

PreventionGenetics, part of Exact Sciences
Classification: Benign for SLC28A1-related condition. Last evaluated: 2019-11-08. Review status: no assertion criteria provided. Collection method: clinical testing. Allele origin: germline.
Comment: This variant is classified as benign based on ACMG/AMP sequence variant interpretation guidelines (Richards et al. 2015 PMID: 25741868, with internal and published modifications).

NM_004213.5(SLC28A1):c.568G>T (p.Ala190Ser)

Gene: SLC28A1 (solute carrier family 28 member 1; plus strand). Cytogenetic location: 15q25.3.
Variant type: single nucleotide variant.
Coding change: c.568G>T on transcript NM_004213.5 (MANE Select); coding-DNA position 568, G replaced by T.
Protein change: p.Ala190Ser; replaces alanine 190 with serine.
Molecular consequence: missense variant.
Genome position (GRCh38, 1-based): chr15:84,904,203, G>T. VCF-style: chr15-84904203-G-T. GRCh37 (hg19) VCF-style: chr15-85447434-G-T.
Other names: c.568G>T, p.Ala190Ser (NM_001287761.2, NM_001287762.2, NM_001321721.2 and 1 more transcripts); short protein forms A190S.
Identifiers: ClinVar variation 3041811 (VCV003041811.2), dbSNP rs45523532, ClinGen allele CA7710452.